The following is an entry in ClinVar:

ClinVar aggregate classification (germline): Uncertain significance (1 of 4 stars; one submission).

Conditions:
Familial hemiplegic migraine. Identifiers: MedGen C0338484, MONDO:0000700.

Submission:

Labcorp Genetics (formerly Invitae), Labcorp
Classification: Uncertain significance for Familial hemiplegic migraine. Last evaluated: 2022-02-09. Review status: criteria provided, single submitter. Criteria: Invitae Variant Classification Sherloc (09022015). Collection method: clinical testing. Allele origin: germline.
Comment: In summary, the available evidence is currently insufficient to determine the role of this variant in disease. Therefore, it has been classified as a Variant of Uncertain Significance. Advanced modeling of protein sequence and biophysical properties (such as structural, functional, and spatial information, amino acid conservation, physicochemical variation, residue mobility, and thermodynamic stability) performed at Invitae indicates that this missense variant is expected to disrupt ATP1A2 protein function. This variant has not been reported in the literature in individuals affected with ATP1A2-related conditions. This variant is not present in population databases (gnomAD no frequency). This sequence change replaces alanine, which is neutral and non-polar, with glutamic acid, which is acidic and polar, at codon 283 of the ATP1A2 protein (p.Ala283Glu).

NM_000702.4(ATP1A2):c.848C>A (p.Ala283Glu)

Gene: ATP1A2 (ATPase Na+/K+ transporting subunit alpha 2; plus strand). Cytogenetic location: 1q23.2.
Variant type: single nucleotide variant.
Coding change: c.848C>A on transcript NM_000702.4 (MANE Select); coding-DNA position 848, C replaced by A.
Protein change: p.Ala283Glu; replaces alanine 283 with glutamic acid.
Molecular consequence: missense variant.
Genome position (GRCh38, 1-based): chr1:160,127,651, C>A. VCF-style: chr1-160127651-C-A. GRCh37 (hg19) VCF-style: chr1-160097441-C-A.
Other names: short protein forms A283E.
Identifiers: ClinVar variation 2095419 (VCV002095419.4), dbSNP rs1553244740, ClinGen allele CA343237638.